The following is an entry in ClinVar:

NM_001100913.3(PACS2):c.2119+5C>A

Gene: PACS2 (phosphofurin acidic cluster sorting protein 2; plus strand). Cytogenetic location: 14q32.33.
Variant type: single nucleotide variant.
Coding change: c.2119+5C>A on transcript NM_001100913.3 (MANE Select); 5 bases into the intron after coding-DNA position 2119, C replaced by A.
Molecular consequence: intron variant.
Genome position (GRCh38, 1-based): chr14:105,391,254, C>A. VCF-style: chr14-105391254-C-A. GRCh37 (hg19) VCF-style: chr14-105857591-C-A.
Other names: c.1849+5C>A (NM_001243127.3); c.2074+5C>A (NM_015197.4).
Identifiers: ClinVar variation 975462 (VCV000975462.4), dbSNP rs782261491, ClinGen allele CA7389139.
Genomic context (GRCh38, chr14:105,391,254, plus strand): 5'-TGTTGTTTTCTAGGTTGTGAAGGTTGGAATTGTGGAGCCATCCTCGGCCACATCAGGTAA[C>A]CCCGTCCCACCCTGAGGCCTTGTGAGTGGCCCGTGGGTGGGCTGCAGGAGCACGGTCATT-3'

ClinVar aggregate classification (germline): Uncertain significance. Review status: criteria provided, single submitter (1 of 4 stars). 2 submissions from 2 submitters: Uncertain significance (1). 1 of the submissions does not count toward it. Last evaluated 2025-09-02.

Conditions:
Intellectual disability. Also called: intellectual disabilities; Intellectual developmental disorder; Intellectual functioning disability. Identifiers: MedGen C3714756, MeSH D008607, MONDO:0001071, HP:0001249.

Allele frequency attached by ClinVar (database versions not stated): gnomAD 0.00003; TOPMed 0.00003; ExAC 0.00002; gnomAD exomes 0.00002.
gnomAD v4.1: 19 of 1,609,594 alleles (0.0012%); highest among the groups gnomAD compares: Admixed American, 0.005%; no homozygotes.

Submissions (2):

Labcorp Genetics (formerly Invitae), Labcorp
Classification: Uncertain significance. Last evaluated: 2025-09-02. Review status: criteria provided, single submitter. Criteria: Invitae Variant Classification Sherloc (09022015). Collection method: clinical testing. Allele origin: germline.
Comment: This sequence change falls in intron 21 of the PACS2 gene. It does not directly change the encoded amino acid sequence of the PACS2 protein. It affects a nucleotide within the consensus splice site. This variant is present in population databases (rs782261491, gnomAD 0.01%). This variant has not been reported in the literature in individuals affected with PACS2-related conditions. ClinVar contains an entry for this variant (Variation ID: 975462). Variants that disrupt the consensus splice site are a relatively common cause of aberrant splicing (PMID: 17576681, 9536098). Algorithms developed to predict the effect of sequence changes on RNA splicing suggest that this variant is not likely to affect RNA splicing. In summary, the available evidence is currently insufficient to determine the role of this variant in disease. Therefore, it has been classified as a Variant of Uncertain Significance.

Centre de Biologie Pathologie Génétique, Centre Hospitalier Universitaire de Lille
Classification: Likely benign for Intellectual disability. Last evaluated: 2019-01-01. Review status: no assertion criteria provided. Collection method: clinical testing. Allele origin: inherited. Affected: yes. Not counted in ClinVar's aggregate classification.

Literature cited by the submitters: PubMed 17576681 (cited by Labcorp Genetics (formerly Invitae), Labcorp); PubMed 9536098 (cited by Labcorp Genetics (formerly Invitae), Labcorp).